The following is an entry in ClinVar:

NM_016343.4(CENPF):c.7675A>C (p.Arg2559=)

Gene: CENPF (centromere protein F; plus strand). Cytogenetic location: 1q41.
Variant type: single nucleotide variant.
Coding change: c.7675A>C on transcript NM_016343.4 (MANE Select); coding-DNA position 7675, A replaced by C.
Protein change: p.Arg2559=; no amino-acid change (arginine 2559 retained).
Molecular consequence: synonymous variant.
Genome position (GRCh38, 1-based): chr1:214,647,245, A>C. VCF-style: chr1-214647245-A-C. GRCh37 (hg19) VCF-style: chr1-214820588-A-C.
Identifiers: ClinVar variation 4681756 (VCV004681756.5).
Genomic context (GRCh38, chr1:214,647,245, plus strand): 5'-TCTAAACTGTCCCAGGTGGAAGGAGAGCACCAACTTTGGAAGGAGCAAAACTTAGAACTG[A>C]GAAATCTGACAGTGGAATTGGAGCAGAAGATCCAAGTGCTACAATCCAAAAATGCCTCTT-3'
Protein context (NP_057427.3, residues 2549-2569): QLWKEQNLEL[Arg2559=]NLTVELEQKI

ClinVar aggregate classification (germline): Likely benign (1 of 4 stars; one submission).

gnomAD v4.1: 35 of 1,614,014 alleles (0.0022%); highest among the groups gnomAD compares: Admixed American, 0.055%; no homozygotes.

Submission:

CeGaT Center for Human Genetics Tuebingen
Classification: Likely benign. Last evaluated: 2025-12-01. Review status: criteria provided, single submitter. Criteria: CeGaT Center For Human Genetics Tuebingen Variant Classification Criteria Version 2. Collection method: clinical testing. Allele origin: germline. Affected: yes. Observed: 1 variant allele.
Comment: CENPF: BP4, BP7